The following is an entry in ClinVar:

ClinVar aggregate classification (germline): Uncertain significance (1 of 4 stars; one submission).

Conditions:
Neuropathy, hereditary sensory and autonomic, type 2A (HSAN2A). Also called: HSAN IIA; WNK1-Related HSAN2 (HSAN2A); MORVAN DISEASE; NEUROPATHY, CONGENITAL SENSORY; NEUROPATHY, HEREDITARY SENSORY RADICULAR, AUTOSOMAL RECESSIVE; NEUROPATHY, HEREDITARY SENSORY, TYPE IIA. Identifiers: Orphanet 970, MedGen C2752089, MONDO:0024309, OMIM 201300.
Pseudohypoaldosteronism type 2C (PHA2C). Also called: Pseudohypoaldosteronism Type IIC. Identifiers: Orphanet 757, Orphanet 88940, MedGen C1840391, MONDO:0013778, OMIM 614492.

Allele frequency attached by ClinVar (database versions not stated): TOPMed below 0.00001; gnomAD 0.00001.
gnomAD v4.1: 5 of 1,613,654 alleles (0.00031%); highest among the groups gnomAD compares: African/African-American, 0.0013%; no homozygotes.

Submission:

Labcorp Genetics (formerly Invitae), Labcorp
Classification: Uncertain significance for Neuropathy, hereditary sensory and autonomic, type 2A; Pseudohypoaldosteronism type 2C. Last evaluated: 2017-12-22. Review status: criteria provided, single submitter. Criteria: Invitae Variant Classification Sherloc (09022015). Collection method: clinical testing. Allele origin: germline.
Comment: In summary, the available evidence is currently insufficient to determine the role of this variant in disease. Therefore, it has been classified as a Variant of Uncertain Significance. Algorithms developed to predict the effect of missense changes on protein structure and function do not agree on the potential impact of this missense change (SIFT: "Deleterious"; PolyPhen-2: "Possibly Damaging"; Align-GVGD: "Class C0"). This variant has not been reported in the literature in individuals with WNK1-related disease. This variant is present in population databases (rs575889688, ExAC 0.001%). This sequence change replaces proline with leucine at codon 830 of the WNK1 protein (p.Pro830Leu). The proline residue is highly conserved and there is a moderate physicochemical difference between proline and leucine.

NM_018979.4(WNK1):c.2489C>T (p.Pro830Leu)

Gene: WNK1 (WNK lysine deficient protein kinase 1; plus strand). Cytogenetic location: 12p13.33.
Variant type: single nucleotide variant.
Coding change: c.2489C>T on transcript NM_018979.4 (MANE Select); coding-DNA position 2489, C replaced by T.
Protein change: p.Pro830Leu; replaces proline 830 with leucine.
Molecular consequence: missense variant. On other transcripts: intron variant (3).
Genome position (GRCh38, 1-based): chr12:879,688, C>T. VCF-style: chr12-879688-C-T. GRCh37 (hg19) VCF-style: chr12-988854-C-T.
Other names: c.3867+1327C>T (NM_213655.5); c.3613-1033C>T (NM_001184985.2); c.2370+1327C>T (NM_014823.3); short protein forms P830L.
Identifiers: ClinVar variation 538513 (VCV000538513.6), dbSNP rs575889688, ClinGen allele CA6382490.